The following is an entry in ClinVar:

ClinVar aggregate classification (germline): Likely benign. Review status: criteria provided, multiple submitters, no conflicts (2 of 4 stars). 3 submissions from 3 submitters: Likely benign (2). 1 of the submissions does not count toward it. Last evaluated 2025-11-03.

Conditions:
CAMK2B-related disorder. Also called: CAMK2B-related condition.

Allele frequency attached by ClinVar (database versions not stated): ExAC 0.00007; ESP Exome Variant Server 0.00008; gnomAD exomes 0.00009; TOPMed 0.00015; 1000 Genomes Project 30x 0.00016; gnomAD 0.00018 and 0.00019.
gnomAD v4.1: 155 of 1,611,430 alleles (0.0096%); highest among the groups gnomAD compares: African/African-American, 0.023%; 2 homozygotes.

Submissions (3):

Labcorp Genetics (formerly Invitae), Labcorp
Classification: Likely benign. Last evaluated: 2025-11-03. Review status: criteria provided, single submitter. Criteria: Invitae Variant Classification Sherloc (09022015). Collection method: clinical testing. Allele origin: germline.

Breakthrough Genomics
Classification: Likely benign. Review status: criteria provided, single submitter. Criteria: ACMG Guidelines, 2015. Collection method: not provided. Allele origin: germline. Inheritance: Autosomal dominant inheritance. Affected: yes.

PreventionGenetics, part of Exact Sciences
Classification: Likely benign for CAMK2B-related condition. Last evaluated: 2019-10-28. Review status: no assertion criteria provided. Collection method: clinical testing. Allele origin: germline. Not counted in ClinVar's aggregate classification.
Comment: This variant is classified as likely benign based on ACMG/AMP sequence variant interpretation guidelines (Richards et al. 2015 PMID: 25741868, with internal and published modifications).

NM_001220.5(CAMK2B):c.1941C>T (p.Asp647=)

Gene: CAMK2B (calcium/calmodulin dependent protein kinase II beta; minus strand). Cytogenetic location: 7p13.
Variant type: single nucleotide variant.
Coding change: c.1941C>T on transcript NM_001220.5 (MANE Select); coding-DNA position 1941, C replaced by T.
Protein change: p.Asp647=; no amino-acid change (aspartic acid 647 retained).
Molecular consequence: synonymous variant.
Genome position (GRCh38, 1-based): chr7:44,220,122, G>A on the plus strand (C>T on the coding strand, the complement: CAMK2B is on the minus strand). VCF-style: chr7-44220122-G-A. GRCh37 (hg19) VCF-style: chr7-44259721-G-A.
Other names: c.1569C>T, p.Asp523= (NM_001293170.2, NM_172078.3); c.1497C>T, p.Asp499= (NM_172079.3); c.1494C>T, p.Asp498= (NM_172080.3); c.1452C>T, p.Asp484= (NM_172081.3); c.1419C>T, p.Asp473= (NM_172082.3); c.1380C>T, p.Asp460= (NM_172083.3); c.1290C>T, p.Asp430= (NM_172084.3); c.1941C>T (NM_001220.4).
Identifiers: ClinVar variation 1528196 (VCV001528196.11), dbSNP rs372486674, ClinGen allele CA4240055.